The following is an entry in ClinVar:

ClinVar aggregate classification (germline): Pathogenic (1 of 4 stars; one submission).

Submission:

Labcorp Genetics (formerly Invitae), Labcorp
Classification: Pathogenic. Last evaluated: 2022-09-09. Review status: criteria provided, single submitter. Criteria: Invitae Variant Classification Sherloc (09022015). Collection method: clinical testing. Allele origin: germline.
Comment: This variant is a gross deletion of the genomic region encompassing exon(s) 1-10 of the F11 gene, which includes the initiator codon. This deletion extends beyond the assayed region for this gene and therefore may encompass additional genes. It is expected to result in an absent or disrupted protein product. Loss-of-function variants in F11 are known to be pathogenic (PMID: 23929304). This variant has not been reported in the literature in individuals affected with F11-related conditions. For these reasons, this variant has been classified as Pathogenic.

Literature cited by the submitters: PubMed 23929304.

NC_000004.11:g.(?_187112968)_(187201744_?)del

Genes: CYP4V2 (cytochrome P450 family 4 subfamily V member 2; plus strand), F11 (coagulation factor XI; plus strand), KLKB1 (kallikrein B1; plus strand). Cytogenetic location: 4q35.2.
Variant type: Deletion.
Identifiers: ClinVar variation 2422396 (VCV002422396.3).